The following is an entry in ClinVar:

NM_001128840.3(CACNA1D):c.3699C>A (p.Phe1233Leu)

Gene: CACNA1D (calcium voltage-gated channel subunit alpha1 D; plus strand). Cytogenetic location: 3p21.1.
Variant type: single nucleotide variant.
Coding change: c.3699C>A on transcript NM_001128840.3 (MANE Select); coding-DNA position 3699, C replaced by A.
Protein change: p.Phe1233Leu; replaces phenylalanine 1233 with leucine.
Molecular consequence: missense variant.
Genome position (GRCh38, 1-based): chr3:53,753,595, C>A. VCF-style: chr3-53753595-C-A. GRCh37 (hg19) VCF-style: chr3-53787622-C-A.
Other names: c.3759C>A, p.Phe1253Leu (NM_000720.4); c.3699C>A, p.Phe1233Leu (NM_001128839.3); short protein forms F1233L, F1253L.
Identifiers: ClinVar variation 1523243 (VCV001523243.6), dbSNP rs751188326, ClinGen allele CA2454653.

ClinVar aggregate classification (germline): Uncertain significance (1 of 4 stars; one submission).

Allele frequency attached by ClinVar (database versions not stated): gnomAD exomes below 0.00001; TOPMed below 0.00001; ExAC 0.00001; gnomAD 0.00001.
gnomAD v4.1: 4 of 1,611,554 alleles (0.00025%); highest among the groups gnomAD compares: African/African-American, 0.0013%; no homozygotes.

Submission:

Labcorp Genetics (formerly Invitae), Labcorp
Classification: Uncertain significance. Last evaluated: 2025-07-29. Review status: criteria provided, single submitter. Criteria: Invitae Variant Classification Sherloc (09022015). Collection method: clinical testing. Allele origin: germline.
Comment: This sequence change replaces phenylalanine, which is neutral and non-polar, with leucine, which is neutral and non-polar, at codon 1253 of the CACNA1D protein (p.Phe1253Leu). This variant is present in population databases (rs751188326, gnomAD 0.002%). This variant has not been reported in the literature in individuals affected with CACNA1D-related conditions. ClinVar contains an entry for this variant (Variation ID: 1523243). Invitae Evidence Modeling of protein sequence and biophysical properties (such as structural, functional, and spatial information, amino acid conservation, physicochemical variation, residue mobility, and thermodynamic stability) indicates that this missense variant is not expected to disrupt CACNA1D protein function with a negative predictive value of 80%. In summary, the available evidence is currently insufficient to determine the role of this variant in disease. Therefore, it has been classified as a Variant of Uncertain Significance.